The following is an entry in ClinVar:

ClinVar aggregate classification (germline): Benign/Likely benign. Review status: criteria provided, multiple submitters, no conflicts (2 of 4 stars). 5 submissions from 5 submitters: Benign (1); Likely benign (4). Last evaluated 2025-11-16.

Conditions:
Hereditary nonpolyposis colorectal neoplasms. Identifiers: MedGen C0009405, MeSH D003123.
Lynch syndrome 5 (LYNCH5). Also called: Colorectal cancer, hereditary nonpolyposis, type 5; Hereditary non-polyposis colorectal cancer, type 5. Identifiers: Orphanet 144, MedGen C1833477, MONDO:0013710, OMIM 614350. Disease mechanism: loss of function.
Hereditary cancer-predisposing syndrome. Also called: Neoplastic Syndromes, Hereditary; Tumor predisposition; Hereditary neoplastic syndrome; Hereditary Cancer Syndrome. Identifiers: Orphanet 140162, MedGen C0027672, MeSH D009386, MONDO:0015356.
Lynch syndrome. Identifiers: Orphanet 144, MedGen C4552100, MONDO:0005835. Disease mechanism: loss of function.

Allele frequency attached by ClinVar (database versions not stated): TOPMed 0.00001.

Submissions (5):

Labcorp Genetics (formerly Invitae), Labcorp
Classification: Likely benign for Hereditary nonpolyposis colorectal neoplasms. Last evaluated: 2025-11-16. Review status: criteria provided, single submitter. Criteria: Invitae Variant Classification Sherloc (09022015). Collection method: clinical testing. Allele origin: germline.

Myriad Genetics, Inc.
Classification: Benign for Lynch syndrome 5. Last evaluated: 2025-01-09. Review status: criteria provided, single submitter. Criteria: Myriad Autosomal Dominant, Autosomal Recessive and X-Linked Classification Criteria (2023). Collection method: clinical testing. Allele origin: unknown.
Comment: This variant is considered benign. This variant is a silent/synonymous amino acid change and it is not expected to impact splicing.

All of Us Research Program, National Institutes of Health
Classification: Likely benign for Lynch syndrome. Last evaluated: 2024-05-30. Review status: criteria provided, single submitter. Criteria: ACMG Guidelines, 2015. Collection method: clinical testing. Allele origin: germline. Inheritance: Autosomal dominant inheritance. Observed: 2 variant alleles, 2 heterozygotes.
Comment: This study involves interpretation of variants in research participants for the purpose of population health screening. Participant phenotype was not available at the time of variant classification. Additional details can be found in publication PMID: 35346344, PMCID: PMC8962531

Ambry Genetics
Classification: Likely benign for Hereditary cancer-predisposing syndrome. Last evaluated: 2018-03-29. Review status: criteria provided, single submitter. Criteria: Ambry Variant Classification Scheme 2023. Collection method: clinical testing. Allele origin: germline.

Color Diagnostics, LLC DBA Color Health
Classification: Likely benign for Hereditary cancer-predisposing syndrome. Last evaluated: 2016-05-10. Review status: criteria provided, single submitter. Criteria: ACMG Guidelines, 2015. Collection method: clinical testing. Allele origin: germline.

NM_000179.3(MSH6):c.4024A>C (p.Arg1342=)

Gene: MSH6 (mutS homolog 6; plus strand). Cytogenetic location: 2p16.3.
Variant type: single nucleotide variant.
Coding change: c.4024A>C on transcript NM_000179.3 (MANE Select); coding-DNA position 4024, A replaced by C.
Protein change: p.Arg1342=; no amino-acid change (arginine 1342 retained).
Molecular consequence: synonymous variant.
Genome position (GRCh38, 1-based): chr2:47,806,801, A>C. VCF-style: chr2-47806801-A-C. GRCh37 (hg19) VCF-style: chr2-48033940-A-C.
Other names: c.3634A>C, p.Arg1212= (NM_001281492.2); c.3118A>C, p.Arg1040= (NM_001281493.2, NM_001281494.2).
Identifiers: ClinVar variation 824518 (VCV000824518.17), dbSNP rs1259860163, ClinGen allele CA426122263.